The following is an entry in ClinVar:

NM_030922.7(NIPA2):c.726A>G (p.Ile242Met)

Gene: NIPA2 (NIPA magnesium transporter 2; plus strand). Cytogenetic location: 15q11.2.
Variant type: single nucleotide variant.
Coding change: c.726A>G on transcript NM_030922.7 (MANE Select); coding-DNA position 726, A replaced by G.
Protein change: p.Ile242Met; replaces isoleucine 242 with methionine.
Molecular consequence: missense variant.
Genome position (GRCh38, 1-based): chr15:22,866,490, A>G. VCF-style: chr15-22866490-A-G. GRCh37 (hg19) VCF-style: chr15-23006578-T-C.
Other names: c.726A>G, p.Ile242Met (NM_001008860.3, NM_001008892.3, NM_001184889.2); c.669A>G, p.Ile223Met (NM_001008894.3, NM_001184888.2); short protein forms I223M, I242M.
Identifiers: ClinVar variation 2430301 (VCV002430301.2), dbSNP rs545713234, ClinGen allele CA7425735.

ClinVar aggregate classification (germline): Uncertain significance (1 of 4 stars; one submission).

Allele frequency attached by ClinVar (database versions not stated): ExAC 0.00001; gnomAD 0.00001.
gnomAD v4.1: 14 of 1,613,856 alleles (0.00087%); highest among the groups gnomAD compares: Non-Finnish European, 0.001%; no homozygotes.

Submission:

Centre of Medical Genetics, University Hospital Muenster
Classification: Uncertain significance. Last evaluated: 2023-01-23. Review status: criteria provided, single submitter. Criteria: ACMG Guidelines, 2015. Collection method: clinical testing. Allele origin: unknown. Affected: yes. Observed: 1 variant allele, 1 heterozygote.
Comment: ACMG categories: PM2,PP2,PP3

Literature cited by the submitters: PubMed 25347071; PubMed 22367439.